The following is an entry in ClinVar:

ClinVar aggregate classification (germline): Pathogenic. Review status: criteria provided, multiple submitters, no conflicts (2 of 4 stars). 2 submissions from 2 submitters: Pathogenic (2). Last evaluated 2022-10-28.

Conditions:
Familial focal epilepsy with variable foci (FPEVF). Identifiers: Orphanet 98820, MedGen C1858477, MONDO:0020310.
Inborn genetic diseases. Identifiers: MedGen C0950123, MeSH D030342.

Submissions (2):

Labcorp Genetics (formerly Invitae), Labcorp
Classification: Pathogenic for Familial focal epilepsy with variable foci. Last evaluated: 2022-10-28. Review status: criteria provided, single submitter. Criteria: Invitae Variant Classification Sherloc (09022015). Collection method: clinical testing. Allele origin: germline.
Comment: For these reasons, this variant has been classified as Pathogenic. Algorithms developed to predict the effect of sequence changes on RNA splicing suggest that this variant may disrupt the consensus splice site. ClinVar contains an entry for this variant (Variation ID: 1477452). Disruption of this splice site has been observed in individuals with clinical features of autosomal dominant DEPDC5-related conditions (Invitae). This variant is not present in population databases (gnomAD no frequency). This sequence change affects an acceptor splice site in intron 17 of the DEPDC5 gene. It is expected to disrupt RNA splicing. Variants that disrupt the donor or acceptor splice site typically lead to a loss of protein function (PMID: 16199547), and loss-of-function variants in DEPDC5 are known to be pathogenic (PMID: 23542697, 23542701).

Ambry Genetics
Classification: Pathogenic for Inborn genetic diseases. Last evaluated: 2019-10-16. Review status: criteria provided, single submitter. Criteria: Ambry Variant Classification Scheme 2023. Collection method: clinical testing. Allele origin: germline.
Comment: The c.1218-1G>A intronic pathogenic mutation results from a G to A substitution one nucleotide upstream from coding exon 17 of the DEPDC5 gene. Alterations that disrupt the canonical splice site are expected to cause aberrant splicing, resulting in an abnormal protein or a transcript that is subject to nonsense-mediated mRNA decay. As such, this alteration is classified as a disease-causing mutation.

Literature cited by the submitters: PubMed 16199547 (cited by Labcorp Genetics (formerly Invitae), Labcorp); PubMed 23542697 (cited by Labcorp Genetics (formerly Invitae), Labcorp); PubMed 23542701 (cited by Labcorp Genetics (formerly Invitae), Labcorp).

NM_001242896.3(DEPDC5):c.1218-1G>A

Gene: DEPDC5 (DEP domain containing 5, GATOR1 subcomplex subunit; plus strand). Cytogenetic location: 22q12.3.
Variant type: single nucleotide variant.
Coding change: c.1218-1G>A on transcript NM_001242896.3 (MANE Select); the canonical splice acceptor site of the intron before coding-DNA position 1218, G replaced by A.
Molecular consequence: splice acceptor variant.
Genome position (GRCh38, 1-based): chr22:31,806,121, G>A. VCF-style: chr22-31806121-G-A. GRCh37 (hg19) VCF-style: chr22-32202107-G-A.
Other names: c.1218-1G>A (NM_001364318.2, NM_001136029.4, NM_014662.6 and 7 more transcripts); c.1134-1G>A (NM_001369902.1, NM_001369901.1).
Identifiers: ClinVar variation 1477452 (VCV001477452.10), dbSNP rs2087504321, ClinGen allele CA411276315.
Genomic context (GRCh38, chr22:31,806,121, plus strand): 5'-GTGTTTTGAGTTTTAAAATAAAGGGAATTTAGATTAATGACTCTGTTTGTTTCTTTTACA[G>A]TTTCTACACATCCAAAAGCCAGCTCTTTTGTAATAGTTTCACCCCACGAATAAAACTGGC-3'